The following is an entry in ClinVar:

NM_000266.4(NDP):c.*14G>A

Genes: NDP (norrin cystine knot growth factor NDP; minus strand), NDP-AS1 (NDP antisense RNA 1; plus strand). Cytogenetic location: Xp11.3.
Variant type: single nucleotide variant.
Coding change: c.*14G>A on transcript NM_000266.4 (MANE Select); 14 bases downstream of the stop codon, G replaced by A.
Molecular consequence: 3 prime UTR variant. On other transcripts: non-coding transcript variant (1).
Genome position (GRCh38, 1-based): chrX:43,949,785, C>T on the plus strand (G>A on the coding strand, the complement: NDP is on the minus strand). VCF-style: chrX-43949785-C-T. GRCh37 (hg19) VCF-style: chrX-43809031-C-T.
Identifiers: ClinVar variation 588627 (VCV000588627.6), dbSNP rs73475744, ClinGen allele CA10391398.

ClinVar aggregate classification (germline): Conflicting classifications of pathogenicity. Review status: criteria provided, conflicting classifications (1 of 4 stars). 3 submissions from 3 submitters: Uncertain significance (1); Benign (1); Likely benign (1). Last evaluated 2024-11-27.

Conditions:
History of neurodevelopmental disorder. Identifiers: MedGen C2711754.

Allele frequency attached by ClinVar (database versions not stated): gnomAD exomes 0.00365; ExAC 0.00856; 1000 Genomes Project 0.01377; 1000 Genomes Project 30x 0.01519; TOPMed 0.01570; ESP Exome Variant Server 0.01702.
gnomAD v4.1: 3,063 of 1,162,669 alleles (0.26%); highest among the groups gnomAD compares: African/African-American, 4.9%; 48 homozygotes.

Submissions (3):

Blueprint Genetics
Classification: Benign. Last evaluated: 2024-11-27. Review status: criteria provided, single submitter. Criteria: ACMG Guidelines, 2015. Collection method: clinical testing. Allele origin: germline.

GeneDx
Classification: Likely benign. Last evaluated: 2018-12-23. Review status: criteria provided, single submitter. Criteria: GeneDx Variant Classification Process June 2021. Collection method: clinical testing. Allele origin: germline. Affected: yes.

Ambry Genetics
Classification: Uncertain significance for History of neurodevelopmental disorder. Last evaluated: 2013-01-10. Review status: criteria provided, single submitter. Criteria: Ambry Autosomal Dominant and X-Linked criteria (10/2015). Collection method: clinical testing. Allele origin: germline. Observed: 1 variant allele.
Comment: There is insufficient or conflicting evidence for classification of this alteration.